The following is an entry in ClinVar:

ClinVar aggregate classification (germline): Likely benign (0 of 4 stars; one submission).

Conditions:
SEMA3G-related disorder. Also called: SEMA3G-related condition.

gnomAD v4.1: 3 of 1,612,240 alleles (0.00019%); highest among the groups gnomAD compares: Non-Finnish European, 0.00025%; no homozygotes.

Submission:

PreventionGenetics, part of Exact Sciences
Classification: Likely benign for SEMA3G-related condition. Last evaluated: 2024-07-17. Review status: no assertion criteria provided. Collection method: clinical testing. Allele origin: germline.
Comment: This variant is classified as likely benign based on ACMG/AMP sequence variant interpretation guidelines (Richards et al. 2015 PMID: 25741868, with internal and published modifications).

NM_020163.3(SEMA3G):c.180C>T (p.Ala60=)

Gene: SEMA3G (semaphorin 3G; minus strand). Cytogenetic location: 3p21.1.
Variant type: single nucleotide variant.
Coding change: c.180C>T on transcript NM_020163.3 (MANE Select); coding-DNA position 180, C replaced by T.
Protein change: p.Ala60=; no amino-acid change (alanine 60 retained).
Molecular consequence: synonymous variant.
Genome position (GRCh38, 1-based): chr3:52,442,843, G>A on the plus strand (C>T on the coding strand, the complement: SEMA3G is on the minus strand). VCF-style: chr3-52442843-G-A. GRCh37 (hg19) VCF-style: chr3-52476859-G-A.
Identifiers: ClinVar variation 3355713 (VCV003355713.1).